The following is an entry in ClinVar:

ClinVar aggregate classification (germline): Pathogenic (1 of 4 stars; one submission).

Conditions:
Fanconi anemia (FA). Also called: Fanconi's anemia. Identifiers: Orphanet 84, MedGen C0015625, MeSH D005199, MONDO:0019391.

Submission:

Labcorp Genetics (formerly Invitae), Labcorp
Classification: Pathogenic for Fanconi anemia. Last evaluated: 2023-05-13. Review status: criteria provided, single submitter. Criteria: Invitae Variant Classification Sherloc (09022015). Collection method: clinical testing. Allele origin: unknown.
Comment: This variant is a gross deletion of the genomic region encompassing exon(s) 15-31 of the FANCA gene. This variant would be expected to be in-frame, preserving the integrity of the reading frame. This variant has not been reported in the literature in individuals affected with FANCA-related conditions. For these reasons, this variant has been classified as Pathogenic. This variant disrupts a region of the FANCA protein in which other variant(s) (p.Glu936Gly) have been determined to be pathogenic (PMID: 15643609, 17924555). This suggests that this is a clinically significant region of the protein, and that variants that disrupt it are likely to be disease-causing.

Literature cited by the submitters: PubMed 15643609; PubMed 17924555.

NC_000016.9:g.(?_89818526)_(89851392_?)del

Gene: FANCA (FA complementation group A; minus strand). Cytogenetic location: 16q24.3.
Variant type: Deletion.
Identifiers: ClinVar variation 3243251 (VCV003243251.1).